The following is an entry in ClinVar:

NM_000543.5(SMPD1):c.887G>A (p.Arg296Gln)

Gene: SMPD1 (sphingomyelin phosphodiesterase 1; plus strand). Cytogenetic location: 11p15.4.
Variant type: single nucleotide variant.
Coding change: c.887G>A on transcript NM_000543.5 (MANE Select); coding-DNA position 887, G replaced by A.
Protein change: p.Arg296Gln; replaces arginine 296 with glutamine.
Molecular consequence: missense variant. On other transcripts: 5 prime UTR variant (1), non-coding transcript variant (1).
Genome position (GRCh38, 1-based): chr11:6,391,952, G>A. VCF-style: chr11-6391952-G-A. GRCh37 (hg19) VCF-style: chr11-6413182-G-A.
Other names: p.Arg296Gln; c.884G>A, p.Arg295Gln (NM_001007593.3); c.887G>A, p.Arg296Gln (NM_001318087.2, NM_001365135.2); c.-75G>A (NM_001318088.2); short protein forms R296Q, R295Q.
Identifiers: ClinVar variation 195091 (VCV000195091.54), dbSNP rs35824453, ClinGen allele CA201554.

ClinVar aggregate classification (germline): Benign/Likely benign. Review status: criteria provided, multiple submitters, no conflicts (2 of 4 stars). 10 submissions from 10 submitters: Benign (7); Likely benign (2). 1 of the submissions does not count toward it. Last evaluated 2026-04-01.

Conditions:
Niemann-Pick disease, type A. Also called: SPHINGOMYELIN LIPIDOSIS; SPHINGOMYELINASE DEFICIENCY; Infantile Neurovisceral ASMD (Niemann-Pick Disease Type A; NPD-A). Identifiers: Orphanet 77292, MedGen C0268242, MONDO:0009756, OMIM 257200. Disease mechanism: loss of function.
Niemann-Pick disease, type B. Also called: Chronic Visceral ASMD (Niemann-Pick Disease Type B; NPD-B). Identifiers: Orphanet 77293, MedGen C0268243, MONDO:0011871, OMIM 607616. Disease mechanism: loss of function.

Allele frequency attached by ClinVar (database versions not stated): gnomAD exomes 0.00124 and 0.00358; ExAC 0.00428; gnomAD 0.01296 and 0.01388; TOPMed 0.01473; ESP Exome Variant Server 0.01555; 1000 Genomes Project 0.01657; 1000 Genomes Project 30x 0.01780.

Submissions (10):

CeGaT Center for Human Genetics Tuebingen
Classification: Benign. Last evaluated: 2026-04-01. Review status: criteria provided, single submitter. Criteria: CeGaT Center For Human Genetics Tuebingen Variant Classification Criteria Version 2. Collection method: clinical testing. Allele origin: germline. Affected: yes. Observed: 3 variant alleles.
Comment: SMPD1: BP4, BS1, BS2

Labcorp Genetics (formerly Invitae), Labcorp
Classification: Benign for Niemann-Pick disease, type B; Niemann-Pick disease, type A. Last evaluated: 2026-02-04. Review status: criteria provided, single submitter. Criteria: Invitae Variant Classification Sherloc (09022015). Collection method: clinical testing. Allele origin: germline.

Mayo Clinic Laboratories, Mayo Clinic
Classification: Benign. Last evaluated: 2022-04-21. Review status: criteria provided, single submitter. Criteria: ACMG Guidelines, 2015. Collection method: clinical testing. Allele origin: germline. Observed: 15 variant alleles.
Comment: BS1, BS2, BP4

GeneDx
Classification: Benign. Last evaluated: 2020-05-06. Review status: criteria provided, single submitter. Criteria: GeneDx Variant Classification Process June 2021. Collection method: clinical testing. Allele origin: germline. Affected: yes.
Comment: This variant is associated with the following publications: (PMID: 15221801, 21228398, 20981092)

Women's Health and Genetics/Laboratory Corporation of America, LabCorp
Classification: Likely benign. Last evaluated: 2018-06-04. Review status: criteria provided, single submitter. Criteria: LabCorp Variant Classification Summary - May 2015. Collection method: clinical testing. Allele origin: germline.
Comment: Variant summary: SMPD1 c.887G>A (p.Arg296Gln) results in a conservative amino acid change located in the Calcineurin-like ApaH type phosphoesterase domain of the encoded protein sequence. Four of four in-silico tools predict a benign effect of the variant on protein function. The variant allele was found at a frequency of 0.0044 in 277234 control chromosomes in the gnomAD database, including 27 homozygotes. The observed variant frequency is approximately 1.96 fold of the estimated maximal expected allele frequency for a pathogenic variant in SMPD1 causing Niemann-Pick Disease Type A phenotype (0.0022), strongly suggesting that the variant is benign. c.887G>A has been reported in the literature in individuals affected with Niemann-Pick Disease Type A. These report(s) do not provide unequivocal conclusions about association of the variant with Niemann-Pick Disease Type A. To our knowledge, no experimental evidence demonstrating an impact on protein function has been reported. Three clinical diagnostic laboratories have submitted clinical-significance assessments for this variant to ClinVar after 2014 without evidence for independent evaluation. All laboratories classified the variant as benign/likely benign. Based on the evidence outlined above, the variant was classified as likely benign.

Illumina Laboratory Services, Illumina
Classification: Benign for Niemann-Pick disease, type A. Last evaluated: 2018-03-06. Review status: criteria provided, single submitter. Criteria: ICSL Variant Classification Criteria 13 December 2019. Collection method: clinical testing. Allele origin: germline.
Comment: This variant was observed in the ICSL laboratory as part of a predisposition screen in an ostensibly healthy population. It had not been previously curated by ICSL or reported in the Human Gene Mutation Database (HGMD: prior to June 1st, 2018), and was therefore a candidate for classification through an automated scoring system. Utilizing variant allele frequency, disease prevalence and penetrance estimates, and inheritance mode, an automated score was calculated to assess if this variant is too frequent to cause the disease. Based on the score and internal cut-off values, a variant classified as benign is not then subjected to further curation. The score for this variant resulted in a classification of benign for this disease.

Center for Pediatric Genomic Medicine, Children's Mercy Hospital and Clinics
Classification: Benign. Last evaluated: 2015-08-25. Review status: criteria provided, single submitter. Criteria: ACMG Guidelines, 2015. Collection method: clinical testing. Allele origin: germline.

Eurofins Ntd Llc (ga)
Classification: Benign. Last evaluated: 2015-05-20. Review status: criteria provided, single submitter. Criteria: EGL Classification Definitions 2015. Collection method: clinical testing. Allele origin: germline. Observed: 3 variant alleles, 3 heterozygotes.

Breakthrough Genomics
Classification: Likely benign. Review status: criteria provided, single submitter. Criteria: ACMG Guidelines, 2015. Collection method: not provided. Allele origin: germline. Inheritance: Autosomal recessive inheritance. Affected: yes.

Natera, Inc.
Classification: Benign for Niemann-Pick Disease, Types A/B. Last evaluated: 2017-05-08. Review status: no assertion criteria provided. Collection method: clinical testing. Allele origin: germline. Not counted in ClinVar's aggregate classification.

Literature cited by the submitters: PubMed 26499107 (cited by Women's Health and Genetics/Laboratory Corporation of America, LabCorp); PubMed 15221801 (cited by Women's Health and Genetics/Laboratory Corporation of America, LabCorp); PubMed 21228398 (cited by Women's Health and Genetics/Laboratory Corporation of America, LabCorp).